The following is an entry in ClinVar:

NM_006073.4(TRDN):c.1098_1099inv (p.Ala367Ser)

Gene: TRDN (triadin; minus strand). Cytogenetic location: 6q22.31.
Variant type: Inversion.
Coding change: c.1098_1099inv on transcript NM_006073.4 (MANE Select).
Protein change: p.Ala367Ser; replaces alanine 367 with serine.
Molecular consequence: missense variant.
Genome position: GRCh38 VCF-style: chr6-123393630-CT-AG. GRCh37 (hg19) VCF-style: chr6-123714775-CT-AG.
Other names: c.1101_1102inv, p.Ala368Ser (NM_001251987.2); short protein forms A367S, A368S.
Identifiers: ClinVar variation 659885 (VCV000659885.10), ClinGen allele CA915943636.

ClinVar aggregate classification (germline): Uncertain significance. Review status: criteria provided, multiple submitters, no conflicts (2 of 4 stars). 2 submissions from 2 submitters: Uncertain significance (2). Last evaluated 2022-11-03.

Conditions:
Catecholaminergic polymorphic ventricular tachycardia 1. Also called: VENTRICULAR TACHYCARDIA, CATECHOLAMINERGIC POLYMORPHIC, 1, WITH OR WITHOUT ATRIAL DYSFUNCTION AND/OR DILATED CARDIOMYOPATHY; VENTRICULAR TACHYCARDIA, STRESS-INDUCED POLYMORPHIC 1; RYR2-Related Catecholaminergic Polymorphic Ventricular Tachycardia. Identifiers: Orphanet 3286, MedGen C1631597, MONDO:0011484, OMIM 604772.
Cardiovascular phenotype. Identifiers: MedGen CN230736.

Submissions (2):

Labcorp Genetics (formerly Invitae), Labcorp
Classification: Uncertain significance for Catecholaminergic polymorphic ventricular tachycardia 1. Last evaluated: 2022-11-03. Review status: criteria provided, single submitter. Criteria: Invitae Variant Classification Sherloc (09022015). Collection method: clinical testing. Allele origin: germline.
Comment: In summary, the available evidence is currently insufficient to determine the role of this variant in disease. Therefore, it has been classified as a Variant of Uncertain Significance. Experimental studies and prediction algorithms are not available or were not evaluated, and the functional significance of this variant is currently unknown. ClinVar contains an entry for this variant (Variation ID: 659885). This variant has not been reported in the literature in individuals affected with TRDN-related conditions. Information on the frequency of this variant in the gnomAD database is not available, as this variant may be reported differently in the database. This sequence change replaces alanine, which is neutral and non-polar, with serine, which is neutral and polar, at codon 367 of the TRDN protein (p.Ala367Ser).

Ambry Genetics
Classification: Uncertain significance for Cardiovascular phenotype. Last evaluated: 2022-04-14. Review status: criteria provided, single submitter. Criteria: Ambry Variant Classification Scheme 2023. Collection method: clinical testing. Allele origin: germline.
Comment: The c.1098_1099delAGinsCT variant (also known as p.A367S), located in coding exon 13 of the TRDN gene, results from an in-frame deletion of AG and insertion of CT at nucleotide positions 1098 to 1099. This results in the substitution of the alanine residue for a serine residue at codon 367, an amino acid with similar properties. This amino acid position is not well conserved in available vertebrate species. In addition, this alteration is predicted to be neutral by in silico analysis (Choi Y et al. PLoS ONE. 2012; 7(10):e46688). Since supporting evidence is limited at this time, the clinical significance of this alteration remains unclear.